The following is an entry in ClinVar:

ClinVar aggregate classification (germline): Pathogenic (1 of 4 stars; one submission).

Conditions:
Glycogen storage disease, type II (IOPD). Also called: Pompe Disease; CARDIOMEGALIA GLYCOGENICA DIFFUSA; GLYCOGENOSIS, GENERALIZED, CARDIAC FORM; GSD II; POMPE DISEASE, INFANTILE-ONSET; GLYCOGEN STORAGE DISEASE II, INFANTILE-ONSET. Identifiers: Orphanet 365, MedGen C0017921, MONDO:0009290, OMIM 232300.

Submission:

Genomenon, Inc
Classification: Pathogenic for Glycogen storage disease, type II. Last evaluated: 2026-07-01. Review status: criteria provided, single submitter. Criteria: Genomenon Sequence Variant Interpretation Standards - Updated. Collection method: curation. Allele origin: germline. Affected: yes.
Comment: GAA p.Ala452ThrfsTer19 (c.1354_1372del) is a frameshift variant that is predicted to introduce a premature termination codon and result in a truncated or absent protein product. This variant has been observed in at least one proband with a GAA-related disorder (PMID:21550241). It is absent or not present at a significant frequency in gnomAD. In conclusion, we classify GAA p.Ala452ThrfsTer19 (c.1354_1372del) as a pathogenic variant.

Literature cited by the submitters: PubMed 21550241.

NM_000152.5(GAA):c.1354_1372del (p.Ala452fs)

Gene: GAA (alpha glucosidase; plus strand). Cytogenetic location: 17q25.3.
Variant type: Deletion.
Coding change: c.1354_1372del on transcript NM_000152.5 (MANE Select); coding-DNA positions 1354 to 1372, 19 bases deleted (GCCGGGAGCTACAGGCCCT).
Protein change: p.Ala452fs; shifts the reading frame from alanine 452.
Molecular consequence: frameshift variant.
Genome position (GRCh38, 1-based): chr17:80,109,972-80,109,990, GCCGGGAGCTACAGGCCCT deleted; deleting any 19 consecutive bases within chr17:80,109,966-80,109,990 gives the same sequence; the c. name uses the placement nearest the transcript's 3' end. VCF-style (leftmost placement, unchanged base first): chr17-80109965-GGGCCCTGCCGGGAGCTACA-G. GRCh37 (hg19) VCF-style: chr17-78083764-GGGCCCTGCCGGGAGCTACA-G.
Other names: c.1354_1372del, p.Ala452fs (NM_001079804.3, NM_001406741.1, NM_001406742.1 and 1 more transcripts); short protein forms A452fs.
Identifiers: ClinVar variation 4876434 (VCV004876434.1).